The following is an entry in ClinVar:

ClinVar aggregate classification (germline): Pathogenic (1 of 4 stars; one submission).

Conditions:
Intellectual developmental disorder, X-linked 1. Also called: Intellectual disability, X-linked 1; Atkin Flaitz Patil Smith syndrome; MENTAL RETARDATION, X-LINKED 18; MENTAL RETARDATION, X-LINKED 78. Identifiers: Orphanet 777, MedGen C2931498, MONDO:0010656, OMIM 309530.

Submission:

Labcorp Genetics (formerly Invitae), Labcorp
Classification: Pathogenic for Intellectual developmental disorder, X-linked 1. Last evaluated: 2021-06-18. Review status: criteria provided, single submitter. Criteria: Invitae Variant Classification Sherloc (09022015). Collection method: clinical testing. Allele origin: germline.
Comment: This variant has not been reported in the literature in individuals with IQSEC2-related conditions. For these reasons, this variant has been classified as Pathogenic. This variant is a gross deletion of the genomic region encompassing exon(s) 5 of the IQSEC2 gene. This deletion is out-of-frame, and is expected to create a premature translational stop signal and result in an absent or disrupted protein product. Loss-of-function variants in IQSEC2 are known to be pathogenic (PMID: 21686261, 26793055, 27665735).

Literature cited by the submitters: PubMed 21686261; PubMed 26793055; PubMed 27665735.

NC_000023.10:g.(?_53279441)_(53280376_?)del

Gene: IQSEC2 (IQ motif and Sec7 domain ArfGEF 2; minus strand). Cytogenetic location: Xp11.22.
Variant type: Deletion.
Identifiers: ClinVar variation 1457780 (VCV001457780.8).